The following is an entry in ClinVar:

ClinVar aggregate classification (germline): Uncertain significance (1 of 4 stars; one submission).

Conditions:
Dilated cardiomyopathy 1KK (CMD1KK). Identifiers: Orphanet 154, Orphanet 75249, MedGen C3714995, MONDO:0014100, OMIM 615248.

Submission:

Labcorp Genetics (formerly Invitae), Labcorp
Classification: Uncertain significance for Dilated cardiomyopathy 1KK. Last evaluated: 2025-04-07. Review status: criteria provided, single submitter. Criteria: Invitae Variant Classification Sherloc (09022015). Collection method: clinical testing. Allele origin: germline.
Comment: This variant, c.1681_1683del, results in the deletion of 1 amino acid(s) of the MYPN protein (p.Ser561del), but otherwise preserves the integrity of the reading frame. This variant is not present in population databases (gnomAD no frequency). This variant has not been reported in the literature in individuals affected with MYPN-related conditions. ClinVar contains an entry for this variant (Variation ID: 2012456). Experimental studies and prediction algorithms are not available or were not evaluated, and the functional significance of this variant is currently unknown. In summary, the available evidence is currently insufficient to determine the role of this variant in disease. Therefore, it has been classified as a Variant of Uncertain Significance.

NM_032578.4(MYPN):c.1681_1683del (p.Ser561del)

Gene: MYPN (myopalladin; plus strand). Cytogenetic location: 10q21.3.
Variant type: Deletion.
Coding change: c.1681_1683del on transcript NM_032578.4 (MANE Select); coding-DNA positions 1681 to 1683, 3 bases deleted (TCC; older notation c.1681_1683delTCC).
Protein change: p.Ser561del; deletes serine 561.
Molecular consequence: inframe deletion. On other transcripts: non-coding transcript variant (2).
Genome position (GRCh38, 1-based): chr10:68,166,374-68,166,376, TCC deleted; deleting any 3 consecutive bases within chr10:68,166,372-68,166,376 gives the same sequence; the c. name uses the placement nearest the transcript's 3' end. VCF-style (leftmost placement, unchanged base first): chr10-68166371-CCCT-C. GRCh37 (hg19) VCF-style: chr10-69926128-CCCT-C.
Other names: c.1681_1683del, p.Ser561del (NM_001256267.2); c.799_801del, p.Ser267del (NM_001256268.2); short protein forms S267del, S561del.
Identifiers: ClinVar variation 2012456 (VCV002012456.4), dbSNP rs2495734348, ClinGen allele CA2580081724.